The following is an entry in ClinVar:

NM_000532.5(PCCB):c.386_387delinsAAC (p.Phe129Ter)

Gene: PCCB (propionyl-CoA carboxylase subunit beta; plus strand). Cytogenetic location: 3q22.3.
Variant type: Indel.
Coding change: c.386_387delinsAAC on transcript NM_000532.5 (MANE Select); coding-DNA positions 386 to 387, TT replaced by AAC.
Protein change: p.Phe129Ter; replaces phenylalanine 129 with a stop codon.
Molecular consequence: nonsense.
Genome position (GRCh38, 1-based): chr3:136,260,492-136,260,493, TT replaced by AAC. VCF-style: chr3-136260492-TT-AAC. GRCh37 (hg19) VCF-style: chr3-135979334-TT-AAC.
Other names: c.446_447delinsAAC, p.Phe149Ter (NM_001178014.2); c.386_387delTTinsAAC (NM_000532.4); short protein forms F129*, F149*.
Identifiers: ClinVar variation 93229 (VCV000093229.20), dbSNP rs398123463, ClinGen allele CA221102.

ClinVar aggregate classification (germline): Pathogenic. Review status: criteria provided, multiple submitters, no conflicts (2 of 4 stars). 7 submissions from 7 submitters: Pathogenic (7). Last evaluated 2025-10-15.

Conditions:
PCCB-related disorder. Also called: PCCB-related condition.
Propionic acidemia (PROP). Also called: GLYCINEMIA, KETOTIC; HYPERGLYCINEMIA WITH KETOACIDOSIS AND LEUKOPENIA; KETOTIC HYPERGLYCINEMIA. Identifiers: Orphanet 35, MedGen C0268579, MONDO:0011628, OMIM 606054, HP:0003571.

Submissions (7):

GeneDx
Classification: Pathogenic. Last evaluated: 2025-10-15. Review status: criteria provided, single submitter. Criteria: GeneDx Variant Classification Process June 2021. Collection method: clinical testing. Allele origin: germline. Affected: yes.
Comment: Nonsense variant predicted to result in protein truncation or nonsense mediated decay in a gene for which loss of function is a known mechanism of disease; Not observed at significant frequency in large population cohorts (gnomAD); This variant is associated with the following publications: (PMID: 31757659, 31249402, 27776753)

Natera, Inc.
Classification: Pathogenic for Propionic acidemia. Last evaluated: 2025-08-05. Review status: criteria provided, single submitter. Criteria: Natera Variant Classification Schema (03/2026). Collection method: clinical testing. Allele origin: germline.
Comment: The c.386_387delTTinsAAC variant in PCCB is a frameshift variant predicted to shift the reading frame and introduce a stop codon. This variant is expected to result in nonsense mediated decay, truncation, or a dysfunctional protein product. This variant is rare in the general population with a frequency below the threshold expected for the associated phenotype(s). This variant has been observed in one or more individuals affected with the associated recessive disease, as either homozygous or compound heterozygous with a second variant (PMID: 27776753, 31757659, 38200289). Given the available evidence, this variant is classified as Pathogenic.

PreventionGenetics, part of Exact Sciences
Classification: Pathogenic for PCCB-related condition. Last evaluated: 2025-02-04. Review status: criteria provided, single submitter. Criteria: ACMG Guidelines, 2015. Collection method: clinical testing. Allele origin: germline.
Comment: The PCCB c.386_387delinsAAC variant is predicted to result in premature protein termination (p.Phe129*). This variant was reported along with a second causative PCCB variant in an individual with propionic acidemia (Pillai et al. 2019. PubMed ID: 31757659). This variant has not been reported in a large population database (gnomAD), indicating this variant is rare. Nonsense variants in PCCB are expected to be pathogenic. This variant is interpreted as pathogenic.

Baylor Genetics
Classification: Pathogenic for Propionic acidemia. Last evaluated: 2024-03-12. Review status: criteria provided, single submitter. Criteria: ACMG Guidelines, 2015. Collection method: clinical testing. Allele origin: unknown.

Labcorp Genetics (formerly Invitae), Labcorp
Classification: Pathogenic for Propionic acidemia. Last evaluated: 2022-03-10. Review status: criteria provided, single submitter. Criteria: Invitae Variant Classification Sherloc (09022015). Collection method: clinical testing. Allele origin: germline.
Comment: This premature translational stop signal has been observed in individual(s) with propionic acidemia (PMID: 31757659). This sequence change creates a premature translational stop signal (p.Phe129*) in the PCCB gene. It is expected to result in an absent or disrupted protein product. Loss-of-function variants in PCCB are known to be pathogenic (PMID: 15464417). This variant is not present in population databases (gnomAD no frequency). This variant is also known as c.386_387delTTinsAAC. For these reasons, this variant has been classified as Pathogenic.

Fulgent Genetics
Classification: Pathogenic for Propionic acidemia. Last evaluated: 2021-12-03. Review status: criteria provided, single submitter. Criteria: ACMG Guidelines, 2015. Collection method: clinical testing. Allele origin: unknown.

Eurofins Ntd Llc (ga)
Classification: Pathogenic. Last evaluated: 2013-01-21. Review status: criteria provided, single submitter. Criteria: EGL Classification Definitions. Collection method: clinical testing. Allele origin: germline. Observed: 2 variant alleles, 2 heterozygotes.

Literature cited by the submitters: PubMed 27776753 (cited by Natera, Inc.); PubMed 31757659 (cited by Natera, Inc. and Labcorp Genetics (formerly Invitae), Labcorp); PubMed 38200289 (cited by Natera, Inc.); PubMed 15464417 (cited by Labcorp Genetics (formerly Invitae), Labcorp).